The following is an entry in ClinVar:

ClinVar aggregate classification (germline): Uncertain significance (1 of 4 stars; one submission).

Conditions:
Inborn genetic diseases. Identifiers: MedGen C0950123, MeSH D030342.

Submission:

Ambry Genetics
Classification: Uncertain significance for Inborn genetic diseases. Last evaluated: 2025-03-25. Review status: criteria provided, single submitter. Criteria: Ambry Variant Classification Scheme 2023. Collection method: clinical testing. Allele origin: germline.
Comment: The p.A722G variant (also known as c.2165C>G), located in coding exon 24 of the RTEL1 gene, results from a C to G substitution at nucleotide position 2165. The alanine at codon 722 is replaced by glycine, an amino acid with similar properties. This amino acid position is conserved. In addition, the in silico prediction for this alteration is inconclusive. Based on the available evidence, the clinical significance of this variant remains unclear.

NM_001283009.2(RTEL1):c.2165C>G (p.Ala722Gly)

Genes: RTEL1 (regulator of telomere elongation helicase 1; plus strand), RTEL1-TNFRSF6B (RTEL1-TNFRSF6B readthrough (NMD candidate); plus strand). Cytogenetic location: 20q13.33.
Variant type: single nucleotide variant.
Coding change: c.2165C>G on transcript NM_001283009.2 (MANE Select); coding-DNA position 2165, C replaced by G.
Protein change: p.Ala722Gly; replaces alanine 722 with glycine.
Molecular consequence: missense variant. On other transcripts: non-coding transcript variant (1).
Genome position (GRCh38, 1-based): chr20:63,690,110, C>G. VCF-style: chr20-63690110-C-G. GRCh37 (hg19) VCF-style: chr20-62321463-C-G.
Other names: c.1496C>G, p.Ala499Gly (NM_001283010.1); c.2165C>G, p.Ala722Gly (NM_016434.4); c.2237C>G, p.Ala746Gly (NM_032957.5); short protein forms A499G, A722G, A746G.
Identifiers: ClinVar variation 3948251 (VCV003948251.1).